The following is an entry in ClinVar:

NM_001145809.2(MYH14):c.4252G>C (p.Glu1418Gln)

Gene: MYH14 (myosin heavy chain 14; plus strand). Cytogenetic location: 19q13.33.
Variant type: single nucleotide variant.
Coding change: c.4252G>C on transcript NM_001145809.2 (MANE Select); coding-DNA position 4252, G replaced by C.
Protein change: p.Glu1418Gln; replaces glutamic acid 1418 with glutamine.
Molecular consequence: missense variant.
Genome position (GRCh38, 1-based): chr19:50,280,345, G>C. VCF-style: chr19-50280345-G-C. GRCh37 (hg19) VCF-style: chr19-50783602-G-C.
Other names: c.4153G>C, p.Glu1385Gln (NM_001077186.2); c.4129G>C, p.Glu1377Gln (NM_024729.4); short protein forms E1377Q, E1385Q, E1418Q.
Identifiers: ClinVar variation 3693007 (VCV003693007.2).

ClinVar aggregate classification (germline): Uncertain significance (1 of 4 stars; one submission).

gnomAD v4.1: 1 of 1,548,244 alleles (0.000065%); highest among the groups gnomAD compares: Non-Finnish European, 0.000087%; no homozygotes.

Submission:

Labcorp Genetics (formerly Invitae), Labcorp
Classification: Uncertain significance. Last evaluated: 2025-01-08. Review status: criteria provided, single submitter. Criteria: Invitae Variant Classification Sherloc (09022015). Collection method: clinical testing. Allele origin: germline.
Comment: This sequence change replaces glutamic acid, which is acidic and polar, with glutamine, which is neutral and polar, at codon 1377 of the MYH14 protein (p.Glu1377Gln). This variant is not present in population databases (gnomAD no frequency). This variant has not been reported in the literature in individuals affected with MYH14-related conditions. Invitae Evidence Modeling of protein sequence and biophysical properties (such as structural, functional, and spatial information, amino acid conservation, physicochemical variation, residue mobility, and thermodynamic stability) indicates that this missense variant is not expected to disrupt MYH14 protein function with a negative predictive value of 80%. In summary, the available evidence is currently insufficient to determine the role of this variant in disease. Therefore, it has been classified as a Variant of Uncertain Significance.